The following is an entry in ClinVar:

NM_020778.5(ALPK3):c.4637G>C (p.Ser1546Thr)

Gene: ALPK3 (alpha kinase 3; plus strand). Cytogenetic location: 15q25.3.
Variant type: single nucleotide variant.
Coding change: c.4637G>C on transcript NM_020778.5 (MANE Select); coding-DNA position 4637, G replaced by C.
Protein change: p.Ser1546Thr; replaces serine 1546 with threonine.
Molecular consequence: missense variant.
Genome position (GRCh38, 1-based): chr15:84,864,579, G>C. VCF-style: chr15-84864579-G-C. GRCh37 (hg19) VCF-style: chr15-85407810-G-C.
Other names: short protein forms S1546T.
Identifiers: ClinVar variation 1363423 (VCV001363423.9), dbSNP rs373750743, ClinGen allele CA7710042.

ClinVar aggregate classification (germline): Conflicting classifications of pathogenicity. Review status: criteria provided, conflicting classifications (1 of 4 stars). 4 submissions from 4 submitters: Uncertain significance (3); Likely benign (1). Last evaluated 2026-09-23.

Conditions:
ALPK3-related disorder. Also called: ALPK3-related condition.
Cardiovascular phenotype. Identifiers: MedGen CN230736.

Allele frequency attached by ClinVar (database versions not stated): ExAC 0.00001; gnomAD exomes 0.00002 and 0.00005; gnomAD 0.00004 and 0.00005; TOPMed 0.00005; ESP Exome Variant Server 0.00008.
gnomAD v4.1: 79 of 1,614,118 alleles (0.0049%); highest among the groups gnomAD compares: Non-Finnish European, 0.0065%; no homozygotes.

Submissions (4):

PreventionGenetics, part of Exact Sciences
Classification: Uncertain significance for ALPK3-related condition. Last evaluated: 2026-09-23. Review status: criteria provided, single submitter. Criteria: ACMG Guidelines, 2015. Collection method: clinical testing. Allele origin: germline.
Comment: The ALPK3 c.5243G>C variant is predicted to result in the amino acid substitution p.Ser1748Thr. To our knowledge, this variant has not been reported in the literature. This variant is reported in 0.0044% of alleles in individuals of European (Non-Finnish) descent in gnomAD. At this time, the clinical significance of this variant is uncertain due to the absence of conclusive functional and genetic evidence.

Labcorp Genetics (formerly Invitae), Labcorp
Classification: Uncertain significance. Last evaluated: 2026-01-20. Review status: criteria provided, single submitter. Criteria: Invitae Variant Classification Sherloc (09022015). Collection method: clinical testing. Allele origin: germline.
Comment: This sequence change replaces serine, which is neutral and polar, with threonine, which is neutral and polar, at codon 1748 of the ALPK3 protein (p.Ser1748Thr). This variant is present in population databases (rs373750743, gnomAD 0.004%). This variant has not been reported in the literature in individuals affected with ALPK3-related conditions. ClinVar contains an entry for this variant (Variation ID: 1363423). Invitae Evidence Modeling of protein sequence and biophysical properties (such as structural, functional, and spatial information, amino acid conservation, physicochemical variation, residue mobility, and thermodynamic stability) indicates that this missense variant is not expected to disrupt ALPK3 protein function with a negative predictive value of 80%. In summary, the available evidence is currently insufficient to determine the role of this variant in disease. Therefore, it has been classified as a Variant of Uncertain Significance.

GeneDx
Classification: Uncertain significance. Last evaluated: 2023-03-17. Review status: criteria provided, single submitter. Criteria: GeneDx Variant Classification Process June 2021. Collection method: clinical testing. Allele origin: germline. Affected: yes.
Comment: Has not been previously published as pathogenic or benign to our knowledge; In silico analysis supports that this missense variant does not alter protein structure/function

Ambry Genetics
Classification: Likely benign for Cardiovascular phenotype. Last evaluated: 2019-03-19. Review status: criteria provided, single submitter. Criteria: Ambry Variant Classification Scheme 2023. Collection method: clinical testing. Allele origin: germline.